The following is an entry in ClinVar:

NM_001330588.2(TPP2):c.251C>T (p.Pro84Leu)

Gene: TPP2 (tripeptidyl peptidase 2; plus strand). Cytogenetic location: 13q33.1.
Variant type: single nucleotide variant.
Coding change: c.251C>T on transcript NM_001330588.2 (MANE Select); coding-DNA position 251, C replaced by T.
Protein change: p.Pro84Leu; replaces proline 84 with leucine.
Molecular consequence: missense variant. On other transcripts: non-coding transcript variant (1).
Genome position (GRCh38, 1-based): chr13:102,604,878, C>T. VCF-style: chr13-102604878-C-T. GRCh37 (hg19) VCF-style: chr13-103257228-C-T.
Other names: c.251C>T, p.Pro84Leu (NM_001367947.1, NM_003291.4); short protein forms P84L.
Identifiers: ClinVar variation 4738114 (VCV004738114.1).

ClinVar aggregate classification (germline): Uncertain significance (1 of 4 stars; one submission).

Conditions:
Evans syndrome, immunodeficiency, and premature immunosenescence associated with tripeptidyl-peptidase II deficiency. Identifiers: MedGen CN231723. Disease mechanism: loss of function.

gnomAD v4.1: 35 of 1,613,774 alleles (0.0022%); highest among the groups gnomAD compares: Non-Finnish European, 0.0029%; no homozygotes.

Submission:

Labcorp Genetics (formerly Invitae), Labcorp
Classification: Uncertain significance for Evans syndrome, immunodeficiency, and premature immunosenescence associated with tripeptidyl-peptidase II deficiency. Last evaluated: 2025-12-24. Review status: criteria provided, single submitter. Criteria: Invitae Variant Classification Sherloc (09022015). Collection method: clinical testing. Allele origin: germline.
Comment: This sequence change replaces proline, which is neutral and non-polar, with leucine, which is neutral and non-polar, at codon 84 of the TPP2 protein (p.Pro84Leu). This variant is present in population databases (rs755694829, gnomAD 0.002%). This variant has not been reported in the literature in individuals affected with TPP2-related conditions. An algorithm developed to predict the effect of missense changes on protein structure and function (PolyPhen-2) suggests that this variant is likely to be tolerated. In summary, the available evidence is currently insufficient to determine the role of this variant in disease. Therefore, it has been classified as a Variant of Uncertain Significance.